The following is an entry in ClinVar:

ClinVar aggregate classification (germline): Uncertain significance. Review status: criteria provided, multiple submitters, no conflicts (2 of 4 stars). 3 submissions from 3 submitters: Uncertain significance (3). Last evaluated 2025-04-25.

Conditions:
Inborn genetic diseases. Identifiers: MedGen C0950123, MeSH D030342.
Deficiency of galactokinase. Also called: GALACTOSEMIA II; Galactokinase deficiency with cataracts. Identifiers: Orphanet 352, Orphanet 79237, MedGen C0268155, MONDO:0009255, OMIM 230200.

Allele frequency attached by ClinVar (database versions not stated): gnomAD 0.00005; TOPMed 0.00008.
gnomAD v4.1: 53 of 1,594,140 alleles (0.0033%); highest among the groups gnomAD compares: African/African-American, 0.0067%; no homozygotes.

Submissions (3):

Ambry Genetics
Classification: Uncertain significance for Inborn genetic diseases. Last evaluated: 2025-04-25. Review status: criteria provided, single submitter. Criteria: Ambry Variant Classification Scheme 2023. Collection method: clinical testing. Allele origin: germline.

Labcorp Genetics (formerly Invitae), Labcorp
Classification: Uncertain significance for Deficiency of galactokinase. Last evaluated: 2021-08-24. Review status: criteria provided, single submitter. Criteria: Invitae Variant Classification Sherloc (09022015). Collection method: clinical testing. Allele origin: germline.
Comment: This sequence change replaces arginine with tryptophan at codon 286 of the GALK1 protein (p.Arg286Trp). The arginine residue is weakly conserved and there is a moderate physicochemical difference between arginine and tryptophan. This variant is present in population databases (rs370987432, ExAC 0.008%). This variant has not been reported in the literature in individuals affected with GALK1-related conditions. ClinVar contains an entry for this variant (Variation ID: 325228). Algorithms developed to predict the effect of missense changes on protein structure and function are either unavailable or do not agree on the potential impact of this missense change (SIFT: "Deleterious"; PolyPhen-2: "Benign"; Align-GVGD: "Class C0"). In summary, the available evidence is currently insufficient to determine the role of this variant in disease. Therefore, it has been classified as a Variant of Uncertain Significance.

Illumina Laboratory Services, Illumina
Classification: Uncertain significance for Deficiency of galactokinase. Last evaluated: 2018-01-12. Review status: criteria provided, single submitter. Criteria: ICSL Variant Classification Criteria 13 December 2019. Collection method: clinical testing. Allele origin: germline.

NM_000154.2(GALK1):c.856C>T (p.Arg286Trp)

Gene: GALK1 (galactokinase 1; minus strand). Cytogenetic location: 17q25.1.
Variant type: single nucleotide variant.
Coding change: c.856C>T on transcript NM_000154.2 (MANE Select); coding-DNA position 856, C replaced by T.
Protein change: p.Arg286Trp; replaces arginine 286 with tryptophan.
Molecular consequence: missense variant.
Genome position (GRCh38, 1-based): chr17:75,758,537, G>A on the plus strand (C>T on the coding strand, the complement: GALK1 is on the minus strand). VCF-style: chr17-75758537-G-A. GRCh37 (hg19) VCF-style: chr17-73754618-G-A.
Other names: short protein forms R286W.
Identifiers: ClinVar variation 325228 (VCV000325228.9), dbSNP rs370987432, ClinGen allele CA8770808.